The following is an entry in ClinVar:

ClinVar aggregate classification (germline): Uncertain significance (1 of 4 stars; one submission).

Conditions:
Brugada syndrome. Also called: Sudden unexpected nocturnal death syndrome; Sudden unexplained nocturnal death syndrome; Sudden Unexplained Nocturnal Death Syndrome (SUNDS); Sudden Unexplained Death Syndrome. Identifiers: Orphanet 130, MedGen C1142166, MONDO:0015263.

Submission:

Labcorp Genetics (formerly Invitae), Labcorp
Classification: Uncertain significance for Brugada syndrome. Last evaluated: 2025-08-22. Review status: criteria provided, single submitter. Criteria: Invitae Variant Classification Sherloc (09022015). Collection method: clinical testing. Allele origin: germline.
Comment: This sequence change falls in intron 11 of the SLMAP gene. It does not directly change the encoded amino acid sequence of the SLMAP protein. This variant is not present in population databases (gnomAD no frequency). This variant has not been reported in the literature in individuals affected with SLMAP-related conditions. Experimental studies and prediction algorithms are not available or were not evaluated, and the effect of this variant on mRNA splicing is currently unknown. In summary, the available evidence is currently insufficient to determine the role of this variant in disease. Therefore, it has been classified as a Variant of Uncertain Significance.

NM_001377540.1(SLMAP):c.1301-32_1301-5delinsCTGCTCAGTTTGGACGATCA

Gene: SLMAP (sarcolemma associated protein; plus strand). Cytogenetic location: 3p14.3.
Variant type: Indel.
Coding change: c.1301-32_1301-5delinsCTGCTCAGTTTGGACGATCA on transcript NM_001377540.1 (MANE Select); 32 bases into the intron before coding-DNA position 1301 through 5 bases into the intron before coding-DNA position 1301, GCTTGGATGGTAACGTTTATTTTCCTTG replaced by CTGCTCAGTTTGGACGATCA.
Molecular consequence: intron variant. On other transcripts: 5 prime UTR variant (7).
Genome position (GRCh38, 1-based): chr3:57,890,009-57,890,036, GCTTGGATGGTAACGTTTATTTTCCTTG replaced by CTGCTCAGTTTGGACGATCA. GRCh37 (hg19): chr3:57,875,736-57,875,763.
Other names: c.-181_-154delinsCTGCTCAGTTTGGACGATCA (NM_001304422.3, NM_001304423.3, NM_001311178.2 and 4 more transcripts); c.1301-32_1301-5delinsCTGCTCAGTTTGGACGATCA (NM_001377538.1, NM_001377539.1, NM_001377555.1); c.1238-32_1238-5delinsCTGCTCAGTTTGGACGATCA (NM_001377545.1, NM_001377922.1); c.1250-32_1250-5delinsCTGCTCAGTTTGGACGATCA (NM_001377541.1, NM_001304420.3, NM_001377562.1 and 2 more transcripts); c.1187-32_1187-5delinsCTGCTCAGTTTGGACGATCA (NM_001377552.1, NM_001377551.1, NM_001377924.1); c.1199-32_1199-5delinsCTGCTCAGTTTGGACGATCA (NM_001377549.1, NM_007159.5, NM_001377923.1); c.1136-32_1136-5delinsCTGCTCAGTTTGGACGATCA (NM_001377559.1, NM_001377557.1, NM_001377925.1 and 1 more transcripts).
Identifiers: ClinVar variation 4725869 (VCV004725869.1).